The following is an entry in ClinVar:

NM_001184.4(ATR):c.548A>T (p.Asp183Val)

Gene: ATR (ATR checkpoint kinase; minus strand). Cytogenetic location: 3q23.
Variant type: single nucleotide variant.
Coding change: c.548A>T on transcript NM_001184.4 (MANE Select); coding-DNA position 548, A replaced by T.
Protein change: p.Asp183Val; replaces aspartic acid 183 with valine.
Molecular consequence: missense variant.
Genome position (GRCh38, 1-based): chr3:142,562,854, T>A on the plus strand (A>T on the coding strand, the complement: ATR is on the minus strand). VCF-style: chr3-142562854-T-A. GRCh37 (hg19) VCF-style: chr3-142281696-T-A.
Other names: c.548A>T, p.Asp183Val (NM_001354579.2); short protein forms D183V.
Identifiers: ClinVar variation 2447382 (VCV002447382.2), dbSNP rs373859192, ClinGen allele CA84755870.
Genomic context (GRCh38, chr3:142,562,854, plus strand): 5'-TCTAAATTTTGCATACTCATCAACTGCAAAGGAGCTGATTGTAAATATCCCATGTGTTCA[T>A]CTAATTGACTTAAAAATCGGCTCATGACCACTGGCCATTCCACAGCATGACCCATCACAT-3'
Protein context (NP_001175.2, residues 173-193): VVMSRFLSQL[Asp183Val]EHMGYLQSAP

ClinVar aggregate classification (germline): Uncertain significance (1 of 4 stars; one submission).

Conditions:
Inborn genetic diseases. Identifiers: MedGen C0950123, MeSH D030342.

Allele frequency attached by ClinVar (database versions not stated): gnomAD exomes below 0.00001; TOPMed 0.00001; gnomAD 0.00003; ESP Exome Variant Server 0.00008.
gnomAD v4.1: 6 of 1,609,778 alleles (0.00037%); highest among the groups gnomAD compares: African/African-American, 0.008%; no homozygotes.

Submission:

Ambry Genetics
Classification: Uncertain significance for Inborn genetic diseases. Last evaluated: 2023-01-31. Review status: criteria provided, single submitter. Criteria: Ambry Variant Classification Scheme 2023. Collection method: clinical testing. Allele origin: germline.
Comment: The p.D183V variant (also known as c.548A>T), located in coding exon 4 of the ATR gene, results from an A to T substitution at nucleotide position 548. The aspartic acid at codon 183 is replaced by valine, an amino acid with highly dissimilar properties. This amino acid position is conserved. In addition, this alteration is predicted to be tolerated by in silico analysis. Since supporting evidence is limited at this time, the clinical significance of this alteration remains unclear.